The following is an entry in ClinVar:

NM_000530.8(MPZ):c.403A>C (p.Ile135Leu)

Gene: MPZ (myelin protein zero; minus strand). Cytogenetic location: 1q23.3.
Variant type: single nucleotide variant.
Coding change: c.403A>C on transcript NM_000530.8 (MANE Select); coding-DNA position 403, A replaced by C.
Protein change: p.Ile135Leu; replaces isoleucine 135 with leucine.
Molecular consequence: missense variant.
Genome position (GRCh38, 1-based): chr1:161,306,753, T>G on the plus strand (A>C on the coding strand, the complement: MPZ is on the minus strand). VCF-style: chr1-161306753-T-G. GRCh37 (hg19) VCF-style: chr1-161276543-T-G.
Other names: c.403A>C (LRG_256t1); c.403A>C, p.Ile135Leu (NM_001315491.2); short protein forms I135L.
Identifiers: ClinVar variation 243089 (VCV000243089.2), dbSNP rs879253858, ClinGen allele CA10584090.
Genomic context (GRCh38, chr1:161,306,753, plus strand): 5'-CATCCCTTCTCACACCTTTTTCAAAGACATACAGCGTGACCTGAGAGGTCTTGCCCACTA[T>G]GTCTGGAGGGTTTTTGACGTCACAAGTGAACGTGCCATTGTCACTGTAGTCTAGGTTGTG-3'
Protein context (NP_000521.2, residues 125-145): FTCDVKNPPD[Ile135Leu]VGKTSQVTLY

ClinVar aggregate classification (germline): Pathogenic. Review status: criteria provided, single submitter (1 of 4 stars). 2 submissions from 2 submitters: Pathogenic (1). 1 of the submissions does not count toward it. Last evaluated 2015-08-18.

Conditions:
Charcot-Marie-Tooth disease. Also called: Charcot-Marie-Tooth Neuropathy; Charcot-Marie-Tooth Hereditary Neuropathy. Identifiers: Orphanet 166, MedGen C0007959, MONDO:0015626.
Charcot-Marie-Tooth disease type 1B. Also called: HEREDITARY MOTOR AND SENSORY NEUROPATHY I; HEREDITARY MOTOR AND SENSORY NEUROPATHY IB; PERONEAL MUSCULAR ATROPHY; CHARCOT-MARIE-TOOTH DISEASE, AUTOSOMAL DOMINANT, WITH FOCALLY FOLDED MYELIN SHEATHS, TYPE 1B; CHARCOT-MARIE-TOOTH DISEASE, SLOW NERVE CONDUCTION TYPE, LINKED TO DUFFY; CHARCOT-MARIE-TOOTH NEUROPATHY, TYPE 1B. Identifiers: Orphanet 101082, MedGen C0270912, MONDO:0007307, OMIM 118200.

Submissions (2):

Lupski Lab, Baylor-Hopkins CMG, Baylor College of Medicine
Classification: Pathogenic for Charcot-Marie-Tooth disease type 1B. Last evaluated: 2015-08-18. Review status: criteria provided, single submitter. Criteria: Rho et al. (Hum Mutat. 1996). Collection method: research. Allele origin: germline. Inheritance: Autosomal dominant inheritance. Affected: yes. Observed: 1 variant allele, 1 heterozygote.

Inherited Neuropathy Consortium
Classification: Uncertain significance for Charcot-Marie-Tooth disease. Review status: no assertion criteria provided. Collection method: literature only. Allele origin: germline. Affected: yes. Not counted in ClinVar's aggregate classification.

Literature cited by the submitters: PubMed 26257172 (cited by Lupski Lab, Baylor-Hopkins CMG, Baylor College of Medicine); PubMed 8797476 (cited by Inherited Neuropathy Consortium).